The following is an entry in ClinVar:

NM_152564.5(VPS13B):c.9577C>T (p.Pro3193Ser)

Gene: VPS13B (vacuolar protein sorting 13 homolog B; plus strand). Cytogenetic location: 8q22.2.
Variant type: single nucleotide variant.
Coding change: c.9577C>T on transcript NM_152564.5 (MANE Select); coding-DNA position 9577, C replaced by T.
Protein change: p.Pro3193Ser; replaces proline 3193 with serine.
Molecular consequence: missense variant.
Genome position (GRCh38, 1-based): chr8:99,832,615, C>T. VCF-style: chr8-99832615-C-T. GRCh37 (hg19) VCF-style: chr8-100844843-C-T.
Other names: c.9652C>T, p.Pro3218Ser (NM_017890.5); short protein forms P3193S, P3218S.
Identifiers: ClinVar variation 4992306 (VCV004992306.1).

ClinVar aggregate classification (germline): Uncertain significance (1 of 4 stars; one submission).

Conditions:
VPS13B-related disorder. Also called: VPS13B-related condition.

gnomAD v4.1: 1 of 1,613,820 alleles (0.000062%); highest among the groups gnomAD compares: Non-Finnish European, 0.000085%; no homozygotes.

Submission:

PreventionGenetics, part of Exact Sciences
Classification: Uncertain significance for VPS13B-related condition. Last evaluated: 2026-06-03. Review status: criteria provided, single submitter. Criteria: ACMG Guidelines, 2015. Collection method: clinical testing. Allele origin: germline.
Comment: The VPS13B c.9577C>T variant is predicted to result in the amino acid substitution p.Pro3193Ser. To our knowledge, this variant has not been reported in the literature or in a large population database (gnomAD), indicating this variant is rare. At this time, the clinical significance of this variant is uncertain due to the absence of conclusive functional and genetic evidence.